The following is an entry in ClinVar:

NM_000045.4(ARG1):c.884C>A (p.Thr295Lys)

Genes: ARG1 (arginase 1; plus strand), MED23 (mediator complex subunit 23; minus strand). Cytogenetic location: 6q23.2.
Variant type: single nucleotide variant.
Coding change: c.884C>A on transcript NM_000045.4 (MANE Select); coding-DNA position 884, C replaced by A.
Protein change: p.Thr295Lys; replaces threonine 295 with lysine.
Molecular consequence: missense variant. On other transcripts: non-coding transcript variant (1), intron variant (2).
Genome position (GRCh38, 1-based): chr6:131,583,823, C>A. VCF-style: chr6-131583823-C-A. GRCh37 (hg19) VCF-style: chr6-131904963-C-A.
Other names: c.908C>A, p.Thr303Lys (NM_001244438.2); c.629C>A, p.Thr210Lys (NM_001369020.1); c.4077+3886G>T (NM_001270521.2); c.4095+3886G>T (NM_015979.4); short protein forms T303K, T295K, T210K.
Identifiers: ClinVar variation 2992391 (VCV002992391.3), dbSNP rs1332603898, ClinGen allele CA365653642.

ClinVar aggregate classification (germline): Uncertain significance (1 of 4 stars; one submission).

Conditions:
Arginase deficiency. Also called: Arginase 1 Deficiency; ARGININEMIA; ARG1 DEFICIENCY. Identifiers: Orphanet 90, MedGen C0268548, MONDO:0008814, OMIM 207800.

Allele frequency attached by ClinVar (database versions not stated): TOPMed 0.00001; gnomAD 0.00002.
gnomAD v4.1: 3 of 1,614,040 alleles (0.00019%); highest among the groups gnomAD compares: African/African-American, 0.004%; no homozygotes.

Submission:

Labcorp Genetics (formerly Invitae), Labcorp
Classification: Uncertain significance for Arginase deficiency. Last evaluated: 2024-01-05. Review status: criteria provided, single submitter. Criteria: Invitae Variant Classification Sherloc (09022015). Collection method: clinical testing. Allele origin: germline.
Comment: This sequence change replaces threonine, which is neutral and polar, with lysine, which is basic and polar, at codon 295 of the ARG1 protein (p.Thr295Lys). This variant is not present in population databases (gnomAD no frequency). This variant has not been reported in the literature in individuals affected with ARG1-related conditions. Advanced modeling of protein sequence and biophysical properties (such as structural, functional, and spatial information, amino acid conservation, physicochemical variation, residue mobility, and thermodynamic stability) performed at Invitae indicates that this missense variant is not expected to disrupt ARG1 protein function with a negative predictive value of 80%. In summary, the available evidence is currently insufficient to determine the role of this variant in disease. Therefore, it has been classified as a Variant of Uncertain Significance.